The following is an entry in ClinVar:

ClinVar aggregate classification (germline): Uncertain significance. Review status: criteria provided, multiple submitters, no conflicts (2 of 4 stars). 4 submissions from 4 submitters: Uncertain significance (4). Last evaluated 2023-02-12.

Conditions:
Mitochondrial complex I deficiency, nuclear type 1. Also called: NADH-COENZYME Q REDUCTASE DEFICIENCY; MITOCHONDRIAL NADH DEHYDROGENASE COMPONENT OF COMPLEX I, DEFICIENCY OF. Identifiers: MedGen C6022305, MONDO:0100224, OMIM 252010.

Allele frequency attached by ClinVar (database versions not stated): ExAC 0.00002; gnomAD exomes 0.00003 and 0.00008; TOPMed 0.00003; gnomAD 0.00007; ESP Exome Variant Server 0.00008.
gnomAD v4.1: 123 of 1,613,638 alleles (0.0076%); highest among the groups gnomAD compares: Non-Finnish European, 0.01%; no homozygotes.

Submissions (4):

Blueprint Genetics
Classification: Uncertain significance. Last evaluated: 2023-02-12. Review status: criteria provided, single submitter. Criteria: ACMG Guidelines, 2015. Collection method: clinical testing. Allele origin: germline.

Labcorp Genetics (formerly Invitae), Labcorp
Classification: Uncertain significance. Last evaluated: 2022-09-26. Review status: criteria provided, single submitter. Criteria: Invitae Variant Classification Sherloc (09022015). Collection method: clinical testing. Allele origin: germline.
Comment: This sequence change replaces arginine, which is basic and polar, with glycine, which is neutral and non-polar, at codon 460 of the FOXRED1 protein (p.Arg460Gly). This variant is present in population databases (rs139086727, gnomAD 0.008%). This variant has not been reported in the literature in individuals affected with FOXRED1-related conditions. ClinVar contains an entry for this variant (Variation ID: 499932). Advanced modeling of protein sequence and biophysical properties (such as structural, functional, and spatial information, amino acid conservation, physicochemical variation, residue mobility, and thermodynamic stability) performed at Invitae indicates that this missense variant is expected to disrupt FOXRED1 protein function. In summary, the available evidence is currently insufficient to determine the role of this variant in disease. Therefore, it has been classified as a Variant of Uncertain Significance.

Illumina Laboratory Services, Illumina
Classification: Uncertain significance for Mitochondrial complex I deficiency, nuclear type 1. Last evaluated: 2018-01-13. Review status: criteria provided, single submitter. Criteria: ICSL Variant Classification Criteria 13 December 2019. Collection method: clinical testing. Allele origin: germline.

Eurofins Ntd Llc (ga)
Classification: Uncertain significance. Last evaluated: 2017-01-31. Review status: criteria provided, single submitter. Criteria: EGL Classification Definitions 2015. Collection method: clinical testing. Allele origin: germline. Observed: 1 variant allele, 1 heterozygote.

NM_017547.4(FOXRED1):c.1378A>G (p.Arg460Gly)

Gene: FOXRED1 (FAD dependent oxidoreductase domain containing 1; plus strand). Cytogenetic location: 11q24.2.
Variant type: single nucleotide variant.
Coding change: c.1378A>G on transcript NM_017547.4 (MANE Select); coding-DNA position 1378, A replaced by G.
Protein change: p.Arg460Gly; replaces arginine 460 with glycine.
Molecular consequence: missense variant. On other transcripts: non-coding transcript variant (2).
Genome position (GRCh38, 1-based): chr11:126,277,606, A>G. VCF-style: chr11-126277606-A-G. GRCh37 (hg19) VCF-style: chr11-126147501-A-G.
Other names: short protein forms R460G.
Identifiers: ClinVar variation 499932 (VCV000499932.14), dbSNP rs139086727, ClinGen allele CA6354452.